The following is an entry in ClinVar:

NM_172107.4(KCNQ2):c.1301+2T>G

Gene: KCNQ2 (potassium voltage-gated channel subfamily Q member 2; minus strand). Cytogenetic location: 20q13.33.
Variant type: single nucleotide variant.
Coding change: c.1301+2T>G on transcript NM_172107.4 (MANE Select); the canonical splice donor site of the intron after coding-DNA position 1301, T replaced by G.
Molecular consequence: splice donor variant. On other transcripts: intron variant (4).
Genome position (GRCh38, 1-based): chr20:63,419,617, A>C on the plus strand (T>G on the coding strand, the complement: KCNQ2 is on the minus strand). VCF-style: chr20-63419617-A-C. GRCh37 (hg19) VCF-style: chr20-62050970-A-C.
Other names: c.1218-4491T>G (NM_004518.6); c.1248-4527T>G (NM_172108.5); c.1248-4491T>G (NM_172106.3, NM_001382235.1).
Identifiers: ClinVar variation 2725901 (VCV002725901.3), dbSNP rs2516237462, ClinGen allele CA409648417.

ClinVar aggregate classification (germline): Likely pathogenic (1 of 4 stars; one submission).

Conditions:
Early-infantile DEE. Also called: Early infantile epileptic encephalopathy; Early infantile epileptic encephalopathy with suppression bursts; Ohtahara syndrome. Identifiers: Orphanet 1934, MedGen C0393706, MONDO:0800491.

Submission:

Labcorp Genetics (formerly Invitae), Labcorp
Classification: Likely pathogenic for Early-infantile DEE. Last evaluated: 2023-03-01. Review status: criteria provided, single submitter. Criteria: Invitae Variant Classification Sherloc (09022015). Collection method: clinical testing. Allele origin: germline.
Comment: In summary, the currently available evidence indicates that the variant is pathogenic, but additional data are needed to prove that conclusively. Therefore, this variant has been classified as Likely Pathogenic. Experimental studies and prediction algorithms are not available or were not evaluated, and the effect of this variant on mRNA splicing is currently unknown. This variant has not been reported in the literature in individuals affected with KCNQ2-related conditions. This variant is not present in population databases (gnomAD no frequency). This sequence change affects a donor splice site in intron 12 of the KCNQ2 gene. It is expected to disrupt RNA splicing. Variants that disrupt the donor or acceptor splice site typically lead to a loss of protein function (PMID: 16199547), and loss-of-function variants in KCNQ2 are known to be pathogenic (PMID: 14534157, 23692823, 27779742).

Literature cited by the submitters: PubMed 16199547; PubMed 14534157; PubMed 23692823; PubMed 27779742.